The following is an entry in ClinVar:

NM_017617.5(NOTCH1):c.1650C>A (p.Tyr550Ter)

Gene: NOTCH1 (notch receptor 1; minus strand). Cytogenetic location: 9q34.3.
Variant type: single nucleotide variant.
Coding change: c.1650C>A on transcript NM_017617.5 (MANE Select); coding-DNA position 1650, C replaced by A.
Protein change: p.Tyr550Ter; replaces tyrosine 550 with a stop codon.
Molecular consequence: nonsense.
Genome position (GRCh38, 1-based): chr9:136,516,000, G>T on the plus strand (C>A on the coding strand, the complement: NOTCH1 is on the minus strand). VCF-style: chr9-136516000-G-T. GRCh37 (hg19) VCF-style: chr9-139410452-G-T.
Other names: short protein forms Y550*.
Identifiers: ClinVar variation 4804797 (VCV004804797.1).

ClinVar aggregate classification (germline): Pathogenic (1 of 4 stars; one submission).

Conditions:
Adams-Oliver syndrome 5 (AOS5). Identifiers: Orphanet 974, MedGen C4014970, MONDO:0014459, OMIM 616028.

Submission:

Labcorp Genetics (formerly Invitae), Labcorp
Classification: Pathogenic for Adams-Oliver syndrome 5. Last evaluated: 2025-04-13. Review status: criteria provided, single submitter. Criteria: Invitae Variant Classification Sherloc (09022015). Collection method: clinical testing. Allele origin: germline.
Comment: This sequence change creates a premature translational stop signal (p.Tyr550*) in the NOTCH1 gene. It is expected to result in an absent or disrupted protein product. Loss-of-function variants in NOTCH1 are known to be pathogenic (PMID: 16025100, 21457232, 25132448, 25963545, 32720365, 33630301). This variant is not present in population databases (gnomAD no frequency). This premature translational stop signal has been observed in individual(s) with NOTCH1-related conditions (PMID: 25963545, 26820064). For these reasons, this variant has been classified as Pathogenic.

Literature cited by the submitters: PubMed 16025100; PubMed 21457232; PubMed 25132448; PubMed 25963545; PubMed 32720365; PubMed 33630301; PubMed 26820064.